The following is an entry in ClinVar:

ClinVar aggregate classification (germline): Uncertain significance (1 of 4 stars; one submission).

Submission:

GeneDx
Classification: Uncertain significance. Last evaluated: 2025-07-01. Review status: criteria provided, single submitter. Criteria: GeneDx Variant Classification Process June 2021. Collection method: clinical testing. Allele origin: germline. Affected: yes.
Comment: Not observed at significant frequency in large population cohorts (gnomAD); In silico analysis supports that this missense variant has a deleterious effect on protein structure/function; Has not been previously published as pathogenic or benign to our knowledge

NM_004380.3(CREBBP):c.2938A>G (p.Ser980Gly)

Gene: CREBBP (CREB binding lysine acetyltransferase; minus strand). Cytogenetic location: 16p13.3.
Variant type: single nucleotide variant.
Coding change: c.2938A>G on transcript NM_004380.3 (MANE Select); coding-DNA position 2938, A replaced by G.
Protein change: p.Ser980Gly; replaces serine 980 with glycine.
Molecular consequence: missense variant.
Genome position (GRCh38, 1-based): chr16:3,769,296, T>C on the plus strand (A>G on the coding strand, the complement: CREBBP is on the minus strand). VCF-style: chr16-3769296-T-C. GRCh37 (hg19) VCF-style: chr16-3819297-T-C.
Other names: c.2824A>G, p.Ser942Gly (NM_001079846.1); short protein forms S942G, S980G.
Identifiers: ClinVar variation 4680899 (VCV004680899.1).